The following is an entry in ClinVar:

NM_005228.5(EGFR):c.353C>A (p.Ala118Asp)

Gene: EGFR (epidermal growth factor receptor; plus strand). Cytogenetic location: 7p11.2.
Variant type: single nucleotide variant.
Coding change: c.353C>A on transcript NM_005228.5 (MANE Select); coding-DNA position 353, C replaced by A.
Protein change: p.Ala118Asp; replaces alanine 118 with aspartic acid.
Molecular consequence: missense variant. On other transcripts: intron variant (1).
Genome position (GRCh38, 1-based): chr7:55,143,417, C>A. VCF-style: chr7-55143417-C-A. GRCh37 (hg19) VCF-style: chr7-55211110-C-A.
Other names: c.353C>A (NM_005228.3); c.353C>A, p.Ala118Asp (NM_001346897.2, NM_001346898.2, NM_001346899.2 and 3 more transcripts); c.194C>A, p.Ala65Asp (NM_001346900.2); c.89-12413C>A (NM_001346941.2); short protein forms A118D, A65D.
Identifiers: ClinVar variation 1370849 (VCV001370849.7), dbSNP rs1247204001, ClinGen allele CA367575860.

ClinVar aggregate classification (germline): Uncertain significance. Review status: criteria provided, multiple submitters, no conflicts (2 of 4 stars). 2 submissions from 2 submitters: Uncertain significance (2). Last evaluated 2025-10-31.

Conditions:
Hereditary cancer-predisposing syndrome. Also called: Neoplastic Syndromes, Hereditary; Tumor predisposition; Hereditary neoplastic syndrome; Hereditary Cancer Syndrome. Identifiers: Orphanet 140162, MedGen C0027672, MeSH D009386, MONDO:0015356.
EGFR-related lung cancer (EGFR). Identifiers: MedGen CN130014.

Submissions (2):

Ambry Genetics
Classification: Uncertain significance for Hereditary cancer-predisposing syndrome. Last evaluated: 2025-10-31. Review status: criteria provided, single submitter. Criteria: Ambry Variant Classification Scheme 2023. Collection method: clinical testing. Allele origin: germline.
Comment: The p.A118D variant (also known as c.353C>A), located in coding exon 3 of the EGFR gene, results from a C to A substitution at nucleotide position 353. The alanine at codon 118 is replaced by aspartic acid, an amino acid with dissimilar properties. This amino acid position is highly conserved in available vertebrate species. In addition, this alteration is predicted to be deleterious by in silico analysis. Based on the available evidence, the clinical significance of this variant remains unclear.

Labcorp Genetics (formerly Invitae), Labcorp
Classification: Uncertain significance for EGFR-related lung cancer. Last evaluated: 2021-07-29. Review status: criteria provided, single submitter. Criteria: Invitae Variant Classification Sherloc (09022015). Collection method: clinical testing. Allele origin: germline.
Comment: This sequence change replaces alanine with aspartic acid at codon 118 of the EGFR protein (p.Ala118Asp). The alanine residue is highly conserved and there is a moderate physicochemical difference between alanine and aspartic acid. This variant is not present in population databases (ExAC no frequency). This variant has not been reported in the literature in individuals affected with EGFR-related conditions. Algorithms developed to predict the effect of missense changes on protein structure and function are either unavailable or do not agree on the potential impact of this missense change (SIFT: "Deleterious"; PolyPhen-2: "Probably Damaging"; Align-GVGD: "Class C0"). In summary, the available evidence is currently insufficient to determine the role of this variant in disease. Therefore, it has been classified as a Variant of Uncertain Significance.